The following is an entry in ClinVar:

ClinVar aggregate classification (germline): Benign/Likely benign. Review status: criteria provided, multiple submitters, no conflicts (2 of 4 stars). 15 submissions from 13 submitters: Benign (11); Likely benign (1). 3 of the submissions do not count toward it. Last evaluated 2026-02-04.

Conditions:
Usher syndrome type 1 (USH1). Also called: RETINITIS PIGMENTOSA AND CONGENITAL DEAFNESS. Identifiers: Orphanet 231169, Orphanet 886, MedGen C1568247, MONDO:0010168, OMIM 276900.
Autosomal recessive nonsyndromic hearing loss 12. Also called: DEAFNESS, AUTOSOMAL RECESSIVE 12. Identifiers: Orphanet 90636, MedGen C1832394, MONDO:0011067, OMIM 601386.
Usher syndrome type 1D (USH1D). Also called: USHER SYNDROME, TYPE ID. Identifiers: Orphanet 231169, Orphanet 886, MedGen C1832845, MONDO:0010984, OMIM 601067.

Allele frequency attached by ClinVar (database versions not stated): 1000 Genomes Project 30x 0.34307; gnomAD 0.40879 and 0.40744; gnomAD exomes 0.42292 and 0.47105; 1000 Genomes Project 0.34525; TOPMed 0.39179; ESP Exome Variant Server 0.41443; ExAC 0.42914.
gnomAD v4.1: 749,448 of 1,613,008 alleles (46%); highest among the groups gnomAD compares: South Asian, 52%; 179,488 homozygotes.

Submissions (15):

Labcorp Genetics (formerly Invitae), Labcorp
Classification: Benign. Last evaluated: 2026-02-04. Review status: criteria provided, single submitter. Criteria: Invitae Variant Classification Sherloc (09022015). Collection method: clinical testing. Allele origin: germline.

Women's Health and Genetics/Laboratory Corporation of America, LabCorp
Classification: Likely benign. Last evaluated: 2026-01-23. Review status: criteria provided, single submitter. Criteria: LabCorp Variant Classification Summary - May 2015. Collection method: clinical testing. Allele origin: germline.

Genome-Nilou Lab
Classification: Benign for Usher syndrome type 1D. Last evaluated: 2021-07-01. Review status: criteria provided, single submitter. Criteria: ACMG Guidelines, 2015. Collection method: clinical testing. Allele origin: germline. Affected: no.

Genome-Nilou Lab
Classification: Benign for Autosomal recessive nonsyndromic hearing loss 12. Last evaluated: 2021-07-01. Review status: criteria provided, single submitter. Criteria: ACMG Guidelines, 2015. Collection method: clinical testing. Allele origin: germline. Affected: no.

Mayo Clinic Laboratories, Mayo Clinic
Classification: Benign. Last evaluated: 2020-10-20. Review status: criteria provided, single submitter. Criteria: ACMG Guidelines, 2015. Collection method: clinical testing. Allele origin: germline. Observed: 114 variant alleles.

Illumina Laboratory Services, Illumina
Classification: Benign for Autosomal recessive nonsyndromic hearing loss 12. Last evaluated: 2018-01-12. Review status: criteria provided, single submitter. Criteria: ICSL Variant Classification Criteria 13 December 2019. Collection method: clinical testing. Allele origin: germline.
Comment: This variant was observed in the ICSL laboratory as part of a predisposition screen in an ostensibly healthy population. It had not been previously curated by ICSL or reported in the Human Gene Mutation Database (HGMD: prior to June 1st, 2018), and was therefore a candidate for classification through an automated scoring system. Utilizing variant allele frequency, disease prevalence and penetrance estimates, and inheritance mode, an automated score was calculated to assess if this variant is too frequent to cause the disease. Based on the score and internal cut-off values, a variant classified as benign is not then subjected to further curation. The score for this variant resulted in a classification of benign for this disease.

Illumina Laboratory Services, Illumina
Classification: Benign for Usher syndrome type 1D. Last evaluated: 2018-01-12. Review status: criteria provided, single submitter. Criteria: ICSL Variant Classification Criteria 13 December 2019. Collection method: clinical testing. Allele origin: germline.
Comment: the same text as in the submission from Illumina Laboratory Services, Illumina above.

GeneDx
Classification: Benign. Last evaluated: 2015-03-03. Review status: criteria provided, single submitter. Criteria: GeneDx Variant Classification Process June 2021. Collection method: clinical testing. Allele origin: germline. Affected: yes.
Comment: This variant is associated with the following publications: (PMID: 31706157)

Eurofins Ntd Llc (ga)
Classification: Benign. Last evaluated: 2013-10-28. Review status: criteria provided, single submitter. Criteria: EGL Classification Definitions 2015. Collection method: clinical testing. Allele origin: germline. Observed: 1 variant allele, 1 heterozygote.

Laboratory for Molecular Medicine, Mass General Brigham Personalized Medicine
Classification: Benign. Last evaluated: 2009-06-12. Review status: criteria provided, single submitter. Criteria: LMM Criteria. Collection method: clinical testing. Allele origin: germline. Observed: 1,428 variant alleles.

Breakthrough Genomics
Classification: Benign. Review status: criteria provided, single submitter. Criteria: ACMG Guidelines, 2015. Collection method: not provided. Allele origin: germline. Inheritance: Autosomal recessive inheritance. Affected: yes.

PreventionGenetics, part of Exact Sciences
Classification: Benign. Review status: criteria provided, single submitter. Criteria: ACMG Guidelines, 2015. Collection method: clinical testing. Allele origin: germline.

Natera, Inc.
Classification: Benign for Usher syndrome type 1. Last evaluated: 2020-09-16. Review status: no assertion criteria provided. Collection method: clinical testing. Allele origin: germline. Not counted in ClinVar's aggregate classification.

Diagnostic Laboratory, Department of Genetics, University Medical Center Groningen
Classification: Benign. Review status: no assertion criteria provided. Collection method: clinical testing. Allele origin: germline. Affected: yes. Study: VKGL Data-share Consensus. Not counted in ClinVar's aggregate classification.

Joint Genome Diagnostic Labs from Nijmegen and Maastricht, Radboudumc and MUMC+
Classification: Benign. Review status: no assertion criteria provided. Collection method: clinical testing. Allele origin: germline. Affected: yes. Study: VKGL Data-share Consensus. Not counted in ClinVar's aggregate classification.

NM_022124.6(CDH23):c.5996C>G (p.Thr1999Ser)

Gene: CDH23 (cadherin related 23; plus strand). Cytogenetic location: 10q22.1.
Variant type: single nucleotide variant.
Coding change: c.5996C>G on transcript NM_022124.6 (MANE Select); coding-DNA position 5996, C replaced by G.
Protein change: p.Thr1999Ser; replaces threonine 1999 with serine.
Molecular consequence: missense variant.
Genome position (GRCh38, 1-based): chr10:71,790,360, C>G. VCF-style: chr10-71790360-C-G. GRCh37 (hg19) VCF-style: chr10-73550117-C-G.
Other names: short protein forms T1999S.
Identifiers: ClinVar variation 45997 (VCV000045997.33), dbSNP rs11592462, ClinGen allele CA137515.